The following is an entry in ClinVar:

NM_001379286.1(ZNF423):c.595G>A (p.Asp199Asn)

Gene: ZNF423 (zinc finger protein 423; minus strand). Cytogenetic location: 16q12.1.
Variant type: single nucleotide variant.
Coding change: c.595G>A on transcript NM_001379286.1 (MANE Select); coding-DNA position 595, G replaced by A.
Protein change: p.Asp199Asn; replaces aspartic acid 199 with asparagine.
Molecular consequence: missense variant.
Genome position (GRCh38, 1-based): chr16:49,638,581, C>T on the plus strand (G>A on the coding strand, the complement: ZNF423 is on the minus strand). VCF-style: chr16-49638581-C-T. GRCh37 (hg19) VCF-style: chr16-49672492-C-T.
Other names: c.391G>A, p.Asp131Asn (NM_001271620.2); c.220G>A, p.Asp74Asn (NM_001330533.2); c.571G>A, p.Asp191Asn (NM_015069.5); short protein forms D131N, D191N, D199N, D74N.
Identifiers: ClinVar variation 1051596 (VCV001051596.7), dbSNP rs867011137, ClinGen allele CA281213617.

ClinVar aggregate classification (germline): Uncertain significance (1 of 4 stars; one submission).

Conditions:
Nephronophthisis 14 (NPHP14). Identifiers: Orphanet 2318, MedGen C3539071, MONDO:0013916, OMIM 614844.

Allele frequency attached by ClinVar (database versions not stated): gnomAD exomes below 0.00001.
gnomAD v4.1: 2 of 1,613,806 alleles (0.00012%); highest among the groups gnomAD compares: Middle Eastern, 0.016%; no homozygotes.

Submission:

Labcorp Genetics (formerly Invitae), Labcorp
Classification: Uncertain significance for Nephronophthisis 14. Last evaluated: 2022-02-11. Review status: criteria provided, single submitter. Criteria: Invitae Variant Classification Sherloc (09022015). Collection method: clinical testing. Allele origin: germline.
Comment: In summary, the available evidence is currently insufficient to determine the role of this variant in disease. Therefore, it has been classified as a Variant of Uncertain Significance. Algorithms developed to predict the effect of missense changes on protein structure and function are either unavailable or do not agree on the potential impact of this missense change (SIFT: "Deleterious"; PolyPhen-2: "Probably Damaging"; Align-GVGD: "Class C0"). ClinVar contains an entry for this variant (Variation ID: 1051596). This variant has not been reported in the literature in individuals affected with ZNF423-related conditions. This variant is not present in population databases (gnomAD no frequency). This sequence change replaces aspartic acid, which is acidic and polar, with asparagine, which is neutral and polar, at codon 191 of the ZNF423 protein (p.Asp191Asn).